The following is an entry in ClinVar:

ClinVar aggregate classification (germline): Uncertain significance (1 of 4 stars; one submission).

Conditions:
Ehlers-Danlos syndrome, classic type, 2 (EDSCL2). Also called: Ehlers-Danlos syndrome, type 2; Ehlers-Danlos syndrome type 2 (formerly); Ehlers-Danlos Syndrome, Classic Type, COL5A2-Related. Identifiers: Orphanet 287, Orphanet 90318, MedGen C0268336, MONDO:0019568, OMIM 130010.

Submission:

Centre for Mendelian Genomics, University Medical Centre Ljubljana
Classification: Uncertain significance for Ehlers-Danlos syndrome, classic type, 2. Last evaluated: 2018-10-04. Review status: criteria provided, single submitter. Criteria: ACMG Guidelines, 2015. Collection method: clinical testing. Allele origin: unknown. Affected: yes.
Comment: This variant was classified as: Uncertain significance. The available evidence on this variant's pathogenicity is insufficient or conflicting. The following ACMG criteria were applied in classifying this variant: PM2,PP3.

NM_000093.5(COL5A1):c.1780C>G (p.Arg594Gly)

Gene: COL5A1 (collagen type V alpha 1 chain; plus strand). Cytogenetic location: 9q34.3.
Variant type: single nucleotide variant.
Coding change: c.1780C>G on transcript NM_000093.5 (MANE Select); coding-DNA position 1780, C replaced by G.
Protein change: p.Arg594Gly; replaces arginine 594 with glycine.
Molecular consequence: missense variant.
Genome position (GRCh38, 1-based): chr9:134,754,279, C>G. VCF-style: chr9-134754279-C-G. GRCh37 (hg19) VCF-style: chr9-137646125-C-G.
Other names: c.1780C>G, p.Arg594Gly (NM_001278074.1); short protein forms R594G.
Identifiers: ClinVar variation 930866 (VCV000930866.3), dbSNP rs1554792869, ClinGen allele CA375444964.